The following is an entry in ClinVar:

NM_024642.5(GALNT12):c.1428G>C (p.Leu476=)

Gene: GALNT12 (polypeptide N-acetylgalactosaminyltransferase 12; plus strand). Cytogenetic location: 9q22.33.
Variant type: single nucleotide variant.
Coding change: c.1428G>C on transcript NM_024642.5 (MANE Select); coding-DNA position 1428, G replaced by C.
Protein change: p.Leu476=; no amino-acid change (leucine 476 retained).
Molecular consequence: synonymous variant.
Genome position (GRCh38, 1-based): chr9:98,844,179, G>C. VCF-style: chr9-98844179-G-C. GRCh37 (hg19) VCF-style: chr9-101606461-G-C.
Identifiers: ClinVar variation 819173 (VCV000819173.13), dbSNP rs1249449878, ClinGen allele CA466425221.
Genomic context (GRCh38, chr9:98,844,179, plus strand): 5'-CTACTGCTTTGACTATAACCCTCCCGATGAAAACCAGATTGTGGGACACCAGGTCATTCT[G>C]TACCTCTGTCATGGGATGGGCCAGAATCAGGTAGGTATGAGCCTCAAAAGAGGAGAAAGC-3'
Protein context (NP_078918.3, residues 466-486): ENQIVGHQVI[Leu476=]YLCHGMGQNQ

ClinVar aggregate classification (germline): Benign/Likely benign. Review status: criteria provided, multiple submitters, no conflicts (2 of 4 stars). 3 submissions from 3 submitters: Benign (1); Likely benign (2). Last evaluated 2026-04-27.

Conditions:
Colorectal cancer, susceptibility to, 1. Also called: COLORECTAL ADENOMA AND CANCER, SUSCEPTIBILITY TO; COLORECTAL CANCER, SUSCEPTIBILITY TO, ON CHROMOSOME 9. Identifiers: MedGen C1837315, MONDO:0012132, OMIM 608812.

Submissions (3):

Myriad Genetics, Inc.
Classification: Benign for Colorectal cancer, susceptibility to, 1. Last evaluated: 2026-04-27. Review status: criteria provided, single submitter. Criteria: Myriad Autosomal Dominant, Autosomal Recessive and X-Linked Classification Criteria (2023). Collection method: clinical testing. Allele origin: unknown.
Comment: This variant is considered benign. This variant is a silent/synonymous amino acid change and it is not expected to impact splicing.

Labcorp Genetics (formerly Invitae), Labcorp
Classification: Likely benign. Last evaluated: 2023-12-14. Review status: criteria provided, single submitter. Criteria: Invitae Variant Classification Sherloc (09022015). Collection method: clinical testing. Allele origin: germline.

Ambry Genetics
Classification: Likely benign. Last evaluated: 2019-01-09. Review status: criteria provided, single submitter. Criteria: Ambry Variant Classification Scheme 2023. Collection method: clinical testing. Allele origin: germline.